The following is an entry in ClinVar:

NM_004629.2(FANCG):c.992C>G (p.Pro331Arg)

Gene: FANCG (FA complementation group G; minus strand). Cytogenetic location: 9p13.3.
Variant type: single nucleotide variant.
Coding change: c.992C>G on transcript NM_004629.2 (MANE Select); coding-DNA position 992, C replaced by G.
Protein change: p.Pro331Arg; replaces proline 331 with arginine.
Molecular consequence: missense variant.
Genome position (GRCh38, 1-based): chr9:35,076,516, G>C on the plus strand (C>G on the coding strand, the complement: FANCG is on the minus strand). VCF-style: chr9-35076516-G-C. GRCh37 (hg19) VCF-style: chr9-35076513-G-C.
Other names: short protein forms P331R.
Identifiers: ClinVar variation 802483 (VCV000802483.12), dbSNP rs765722724, ClinGen allele CA5039874.

ClinVar aggregate classification (germline): Conflicting classifications of pathogenicity. Review status: criteria provided, conflicting classifications (1 of 4 stars). 6 submissions from 6 submitters: Uncertain significance (4); Likely benign (1). 1 of the submissions does not count toward it. Last evaluated 2026-08-06.

Conditions:
Fanconi anemia (FA). Also called: Fanconi's anemia. Identifiers: Orphanet 84, MedGen C0015625, MeSH D005199, MONDO:0019391.
Fanconi anemia complementation group A (FANCA). Also called: FANCA-Related Fanconi Anemia; Fanconi anemia, group A. Identifiers: Orphanet 84, MedGen C3469521, MONDO:0009215, OMIM 227650.
Fanconi anemia complementation group G. Also called: FANCG-Related Fanconi Anemia; Fanconi anemia group G. Identifiers: Orphanet 84, MedGen C3469527, MONDO:0013565, OMIM 614082.

Allele frequency attached by ClinVar (database versions not stated): ExAC 0.00002; TOPMed 0.00002; gnomAD exomes 0.00004.
gnomAD v4.1: 48 of 1,614,066 alleles (0.003%); highest among the groups gnomAD compares: Admixed American, 0.0067%; no homozygotes.

Submissions (6):

OLLIN Analises Genomicas, OLLIN
Classification: Uncertain significance. Last evaluated: 2026-08-06. Review status: criteria provided, single submitter. Criteria: ACMG Guidelines 2015 PMID 25741868. Collection method: clinical testing. Allele origin: germline.
Comment: This missense variant, located in exon 8 (of 14), has been reported in ClinVar (accession VCV000802483.9) and in gnomAD with an allele frequency of 0.003%. However, to our knowledge, it has not been reported in the scientific literature. In silico analysis predicts that this variant has a tolerated effect. According to the currently available evidence, this variant has been classified as uncertain significance (PM2_P, BP4_M).

Women's Health and Genetics/Laboratory Corporation of America, LabCorp
Classification: Uncertain significance. Last evaluated: 2026-06-17. Review status: criteria provided, single submitter. Criteria: LabCorp Variant Classification Summary - May 2015. Collection method: clinical testing. Allele origin: germline.
Comment: Variant summary: FANCG c.992C>G (p.Pro331Arg) results in a non-conservative amino acid change in the encoded protein sequence. Algorithms developed to predict the effect of missense changes on protein structure and function are either unavailable or do not agree on the potential impact of this missense change. The variant allele was found at a frequency of 3.6e-05 in 251482 control chromosomes. The available data on variant occurrences in the general population are insufficient to allow any conclusion about variant significance. To our knowledge, no occurrence of c.992C>G in individuals affected with FANCG-related conditions and no experimental evidence demonstrating its impact on protein function have been reported. The following publication have been ascertained in the context of this evaluation (PMID: 39149814). ClinVar contains an entry for this variant (Variation ID: 802483). Based on the evidence outlined above, the variant was classified as uncertain significance.

Labcorp Genetics (formerly Invitae), Labcorp
Classification: Uncertain significance for Fanconi anemia. Last evaluated: 2025-07-23. Review status: criteria provided, single submitter. Criteria: Invitae Variant Classification Sherloc (09022015). Collection method: clinical testing. Allele origin: germline.
Comment: This sequence change replaces proline, which is neutral and non-polar, with arginine, which is basic and polar, at codon 331 of the FANCG protein (p.Pro331Arg). This variant is present in population databases (rs765722724, gnomAD 0.008%). This variant has not been reported in the literature in individuals affected with FANCG-related conditions. ClinVar contains an entry for this variant (Variation ID: 802483). Invitae Evidence Modeling of protein sequence and biophysical properties (such as structural, functional, and spatial information, amino acid conservation, physicochemical variation, residue mobility, and thermodynamic stability) indicates that this missense variant is not expected to disrupt FANCG protein function with a negative predictive value of 80%. In summary, the available evidence is currently insufficient to determine the role of this variant in disease. Therefore, it has been classified as a Variant of Uncertain Significance.

Blueprint Genetics
Classification: Likely benign. Last evaluated: 2024-05-13. Review status: criteria provided, single submitter. Criteria: ACMG Guidelines, 2015. Collection method: clinical testing. Allele origin: germline.

Mendelics
Classification: Uncertain significance for Fanconi anemia complementation group A. Last evaluated: 2019-05-28. Review status: criteria provided, single submitter. Criteria: Mendelics Assertion Criteria 2017. Collection method: clinical testing. Allele origin: unknown.

Natera, Inc.
Classification: Uncertain significance for Fanconi anemia group G. Last evaluated: 2020-01-24. Review status: no assertion criteria provided. Collection method: clinical testing. Allele origin: germline. Not counted in ClinVar's aggregate classification.

Literature cited by the submitters: PubMed 39149814 (cited by Women's Health and Genetics/Laboratory Corporation of America, LabCorp).